The following is an entry in ClinVar:

ClinVar aggregate classification (germline): Benign (1 of 4 stars; one submission).

Allele frequency attached by ClinVar (database versions not stated): gnomAD 0.15474 and 0.16057; TOPMed 0.16259; 1000 Genomes Project 30x 0.20565; 1000 Genomes Project 0.20867.
gnomAD v4.1: 24,333 of 152,134 alleles (16%); highest among the groups gnomAD compares: East Asian, 32%; 2,257 homozygotes.

Submission:

GeneDx
Classification: Benign. Last evaluated: 2018-06-14. Review status: criteria provided, single submitter. Criteria: GeneDx Variant Classification (06012015). Collection method: clinical testing. Allele origin: germline. Affected: yes.
Comment: This variant is considered likely benign or benign based on one or more of the following criteria: it is a conservative change, it occurs at a poorly conserved position in the protein, it is predicted to be benign by multiple in silico algorithms, and/or has population frequency not consistent with disease.

NM_153717.3(EVC):c.174+238T>A

Gene: EVC (EvC ciliary complex subunit 1; plus strand). Cytogenetic location: 4p16.2.
Variant type: single nucleotide variant.
Coding change: c.174+238T>A on transcript NM_153717.3 (MANE Select); 238 bases into the intron after coding-DNA position 174, T replaced by A.
Molecular consequence: intron variant.
Genome position (GRCh38, 1-based): chr4:5,711,792, T>A. VCF-style: chr4-5711792-T-A. GRCh37 (hg19) VCF-style: chr4-5713519-T-A.
Other names: c.174+238T>A (NM_001306090.2, NM_001306092.2).
Identifiers: ClinVar variation 669931 (VCV000669931.1), dbSNP rs3755844, ClinGen allele CA11634203.